The following is an entry in ClinVar:

NM_181882.3(PRX):c.1868T>G (p.Leu623Arg)

Gene: PRX (periaxin; minus strand). Cytogenetic location: 19q13.2.
Variant type: single nucleotide variant.
Coding change: c.1868T>G on transcript NM_181882.3 (MANE Select); coding-DNA position 1868, T replaced by G.
Protein change: p.Leu623Arg; replaces leucine 623 with arginine.
Molecular consequence: missense variant. On other transcripts: 3 prime UTR variant (1).
Genome position (GRCh38, 1-based): chr19:40,396,484, A>C on the plus strand (T>G on the coding strand, the complement: PRX is on the minus strand). VCF-style: chr19-40396484-A-C. GRCh37 (hg19) VCF-style: chr19-40902391-A-C.
Other names: c.*2073T>G (NM_020956.2); short protein forms L623R.
Identifiers: ClinVar variation 893496 (VCV000893496.9), dbSNP rs2079438528, ClinGen allele CA405897494.

ClinVar aggregate classification (germline): Uncertain significance. Review status: criteria provided, multiple submitters, no conflicts (2 of 4 stars). 2 submissions from 2 submitters: Uncertain significance (2). Last evaluated 2022-10-18.

Conditions:
Charcot-Marie-Tooth disease type 4. Also called: Charcot-Marie-Tooth disease, type IV; Charcot-Marie-Tooth, Type 4. Identifiers: Orphanet 64749, MedGen C4082197, MONDO:0018995.
Charcot-Marie-Tooth disease type 4F. Also called: Charcot-Marie-Tooth disease, demyelinating, type 4F. Identifiers: Orphanet 99952, MedGen C3540453, MONDO:0013959, OMIM 614895.

Submissions (2):

Labcorp Genetics (formerly Invitae), Labcorp
Classification: Uncertain significance for Charcot-Marie-Tooth disease type 4. Last evaluated: 2022-10-18. Review status: criteria provided, single submitter. Criteria: Invitae Variant Classification Sherloc (09022015). Collection method: clinical testing. Allele origin: germline.
Comment: In summary, the available evidence is currently insufficient to determine the role of this variant in disease. Therefore, it has been classified as a Variant of Uncertain Significance. Algorithms developed to predict the effect of missense changes on protein structure and function are either unavailable or do not agree on the potential impact of this missense change (SIFT: "Tolerated"; PolyPhen-2: "Possibly Damaging"; Align-GVGD: "Class C0"). ClinVar contains an entry for this variant (Variation ID: 893496). This variant has not been reported in the literature in individuals affected with PRX-related conditions. This variant is not present in population databases (gnomAD no frequency). This sequence change replaces leucine, which is neutral and non-polar, with arginine, which is basic and polar, at codon 623 of the PRX protein (p.Leu623Arg).

Illumina Laboratory Services, Illumina
Classification: Uncertain significance for Charcot-Marie-Tooth disease type 4F. Last evaluated: 2018-01-13. Review status: criteria provided, single submitter. Criteria: ICSL Variant Classification Criteria 13 December 2019. Collection method: clinical testing. Allele origin: germline.